The following is an entry in ClinVar:

ClinVar aggregate classification (germline): Likely pathogenic (1 of 4 stars; one submission).

Conditions:
Familial cancer of breast. Also called: BREAST CANCER, FAMILIAL; Hereditary breast cancer; hereditary breast carcinoma. Identifiers: Orphanet 227535, MedGen C0346153, MONDO:0016419, OMIM 114480. Disease mechanism: loss of function.

Submission:

Labcorp Genetics (formerly Invitae), Labcorp
Classification: Likely pathogenic for Familial cancer of breast. Last evaluated: 2023-06-30. Review status: criteria provided, single submitter. Criteria: Invitae Variant Classification Sherloc (09022015). Collection method: clinical testing. Allele origin: germline.
Comment: In summary, the currently available evidence indicates that the variant is pathogenic, but additional data are needed to prove that conclusively. Therefore, this variant has been classified as Likely Pathogenic. Algorithms developed to predict the effect of sequence changes on RNA splicing suggest that this variant may disrupt the consensus splice site. This variant has not been reported in the literature in individuals affected with CHEK2-related conditions. This variant is not present in population databases (gnomAD no frequency). This sequence change affects a splice site in intron 6 of the CHEK2 gene. It is expected to disrupt RNA splicing. Variants that disrupt the donor or acceptor splice site typically lead to a loss of protein function (PMID: 16199547), and loss-of-function variants in CHEK2 are known to be pathogenic (PMID: 21876083, 24713400).

Literature cited by the submitters: PubMed 16199547; PubMed 21876083; PubMed 24713400.

NM_007194.4(CHEK2):c.792+2_792+17del

Gene: CHEK2 (checkpoint kinase 2; minus strand). Cytogenetic location: 22q12.1.
Variant type: Deletion.
Coding change: c.792+2_792+17del on transcript NM_007194.4 (MANE Select); the canonical splice donor site of the intron after coding-DNA position 792 through 17 bases into the intron after coding-DNA position 792, 16 bases deleted (TAAGTACCAATAAAAG).
Molecular consequence: splice donor variant.
Genome position (GRCh38, 1-based): chr22:28,711,892-28,711,907, CTTTTATTGGTACTTA deleted on the plus strand (TAAGTACCAATAAAAG on the coding strand, the reverse complement: CHEK2 is on the minus strand); deleting any 16 consecutive bases within chr22:28,711,892-28,711,909 gives the same sequence; the c. name uses the placement nearest the transcript's 3' end. VCF-style (leftmost placement, unchanged base first): chr22-28711891-CCTTTTATTGGTACTTA-C. GRCh37 (hg19) VCF-style: chr22-29107879-CCTTTTATTGGTACTTA-C.
Other names: c.129+2_129+17del (NM_001437942.1, NM_001257387.3); c.591+2_591+17del (NM_001349956.3); c.792+2_792+17del (NM_145862.3); c.885+2_885+17del (NM_001438295.1, NM_001438293.1); c.921+2_921+17del (NM_001438294.1, NM_001005735.3).
Identifiers: ClinVar variation 2734359 (VCV002734359.3), dbSNP rs2517958902, ClinGen allele CA2697552627.